The following is an entry in ClinVar:

NM_182493.3(MYLK3):c.2115-10_2115-7del

Gene: MYLK3 (myosin light chain kinase 3; minus strand). Cytogenetic location: 16q11.2.
Variant type: Deletion.
Coding change: c.2115-10_2115-7del on transcript NM_182493.3 (MANE Select); 10 bases into the intron before coding-DNA position 2115 through 7 bases into the intron before coding-DNA position 2115, 4 bases deleted (TCTT; older notation c.2115-10_2115-7delTCTT).
Molecular consequence: intron variant.
Genome position (GRCh38, 1-based): chr16:46,710,796-46,710,799, AAGA deleted on the plus strand (TCTT on the coding strand, the reverse complement: MYLK3 is on the minus strand). VCF-style (leftmost placement, unchanged base first): chr16-46710795-GAAGA-G. GRCh37 (hg19) VCF-style: chr16-46744707-GAAGA-G.
Other names: c.1092-10_1092-7del (NM_001308301.1).
Identifiers: ClinVar variation 4811558 (VCV004811558.1).

ClinVar aggregate classification (germline): Uncertain significance (1 of 4 stars; one submission).

Submission:

Labcorp Genetics (formerly Invitae), Labcorp
Classification: Uncertain significance. Last evaluated: 2026-01-19. Review status: criteria provided, single submitter. Criteria: Invitae Variant Classification Sherloc (09022015). Collection method: clinical testing. Allele origin: germline.
Comment: This sequence change falls in intron 10 of the MYLK3 gene. It does not directly change the encoded amino acid sequence of the MYLK3 protein. This variant is not present in population databases (gnomAD no frequency). This variant has not been reported in the literature in individuals affected with MYLK3-related conditions. Algorithms developed to predict the effect of sequence changes on RNA splicing suggest that this variant may disrupt the consensus splice site. In summary, the available evidence is currently insufficient to determine the role of this variant in disease. Therefore, it has been classified as a Variant of Uncertain Significance.